The following is an entry in ClinVar:

ClinVar aggregate classification (germline): Uncertain significance. Review status: criteria provided, multiple submitters, no conflicts (2 of 4 stars). 2 submissions from 2 submitters: Uncertain significance (2). Last evaluated 2025-05-19.

Conditions:
SLC4A11-related disorder. Also called: SLC4A11-related condition.

Submissions (2):

Labcorp Genetics (formerly Invitae), Labcorp
Classification: Uncertain significance. Last evaluated: 2025-05-19. Review status: criteria provided, single submitter. Criteria: Invitae Variant Classification Sherloc (09022015). Collection method: clinical testing. Allele origin: germline.
Comment: This sequence change replaces histidine, which is basic and polar, with asparagine, which is neutral and polar, at codon 724 of the SLC4A11 protein (p.His724Asn). This variant is present in population databases (rs758183773, gnomAD 0.004%). This variant has not been reported in the literature in individuals affected with SLC4A11-related conditions. Invitae Evidence Modeling of protein sequence and biophysical properties (such as structural, functional, and spatial information, amino acid conservation, physicochemical variation, residue mobility, and thermodynamic stability) indicates that this missense variant is expected to disrupt SLC4A11 protein function with a positive predictive value of 95%. In summary, the available evidence is currently insufficient to determine the role of this variant in disease. Therefore, it has been classified as a Variant of Uncertain Significance.

PreventionGenetics, part of Exact Sciences
Classification: Uncertain significance for SLC4A11-related condition. Last evaluated: 2025-01-03. Review status: criteria provided, single submitter. Criteria: ACMG Guidelines, 2015. Collection method: clinical testing. Allele origin: germline.
Comment: The SLC4A11 c.2170C>A variant is predicted to result in the amino acid substitution p.His724Asn. To our knowledge, this variant has not been reported in the literature. This variant is reported in 0.0044% of alleles in individuals of European (Non-Finnish) descent in gnomAD. At this time, the clinical significance of this variant is uncertain due to the absence of conclusive functional and genetic evidence.

NM_001174089.2(SLC4A11):c.2122C>A (p.His708Asn)

Gene: SLC4A11 (solute carrier family 4 member 11; minus strand). Cytogenetic location: 20p13.
Variant type: single nucleotide variant.
Coding change: c.2122C>A on transcript NM_001174089.2 (MANE Select); coding-DNA position 2122, C replaced by A.
Protein change: p.His708Asn; replaces histidine 708 with asparagine.
Molecular consequence: missense variant. On other transcripts: non-coding transcript variant (3).
Genome position (GRCh38, 1-based): chr20:3,228,908, G>T on the plus strand (C>A on the coding strand, the complement: SLC4A11 is on the minus strand). VCF-style: chr20-3228908-G-T. GRCh37 (hg19) VCF-style: chr20-3209554-G-T.
Other names: c.2170C>A (NM_032034.3); c.2251C>A, p.His751Asn (NM_001174090.2); c.2008C>A, p.His670Asn (NM_001363745.2); c.2065C>A, p.His689Asn (NM_001400277.1, NM_001400278.1, NM_001400279.1); c.2137C>A, p.His713Asn (NM_001400280.1); c.2170C>A, p.His724Asn (NM_032034.4); short protein forms H751N, H689N, H708N, H713N, H724N, H670N.
Identifiers: ClinVar variation 4720038 (VCV004720038.2).